The following is an entry in ClinVar:

NM_016507.4(CDK12):c.737A>T (p.Tyr246Phe)

Genes: CDK12 (cyclin dependent kinase 12; plus strand), LOC126862553 (CDK7 strongly-dependent group 2 enhancer GRCh37_chr17:37618166-37619365; plus strand). Cytogenetic location: 17q12.
Variant type: single nucleotide variant.
Coding change: c.737A>T on transcript NM_016507.4 (MANE Select); coding-DNA position 737, A replaced by T.
Protein change: p.Tyr246Phe; replaces tyrosine 246 with phenylalanine.
Molecular consequence: missense variant.
Genome position (GRCh38, 1-based): chr17:39,462,808, A>T. VCF-style: chr17-39462808-A-T. GRCh37 (hg19) VCF-style: chr17-37619061-A-T.
Other names: c.737A>T, p.Tyr246Phe (NM_015083.4); short protein forms Y246F.
Identifiers: ClinVar variation 3830405 (VCV003830405.1).
Genomic context (GRCh38, chr17:39,462,808, plus strand): 5'-AGTGGTCTGACAGCTCCAAACAAGATGATAGCCCCTCGGGAGCTTCTTATGGCCAAGATT[A>T]TGACCTTAGTCCCTCACGATCTCATACCTCGAGCAATTATGACTCCTACAAGAAAAGTCC-3'
Protein context (NP_057591.2, residues 236-256): SPSGASYGQD[Tyr246Phe]DLSPSRSHTS

ClinVar aggregate classification (germline): Uncertain significance (1 of 4 stars; one submission).

Submission:

Ambry Genetics
Classification: Uncertain significance. Last evaluated: 2024-12-23. Review status: criteria provided, single submitter. Criteria: Ambry Variant Classification Scheme 2023. Collection method: clinical testing. Allele origin: germline.
Comment: The p.Y246F variant (also known as c.737A>T), located in coding exon 1 of the CDK12 gene, results from an A to T substitution at nucleotide position 737. The tyrosine at codon 246 is replaced by phenylalanine, an amino acid with highly similar properties. This amino acid position is conserved. In addition, this alteration is predicted to be tolerated by in silico analysis. Based on the available evidence, the clinical significance of this variant remains unclear.